The following is an entry in ClinVar:

ClinVar aggregate classification (germline): Likely benign. Review status: criteria provided, multiple submitters, no conflicts (2 of 4 stars). 4 submissions from 4 submitters: Likely benign (4). Last evaluated 2026-06-01.

Conditions:
COL10A1-related disorder. Also called: COL10A1-related condition.

Allele frequency attached by ClinVar (database versions not stated): ExAC 0.00017; gnomAD exomes 0.00020 and 0.00047; TOPMed 0.00029; gnomAD 0.00032 and 0.00034; ESP Exome Variant Server 0.00046.
gnomAD v4.1: 751 of 1,610,296 alleles (0.047%); highest among the groups gnomAD compares: Non-Finnish European, 0.059%; 1 homozygote.

Submissions (4):

PreventionGenetics, part of Exact Sciences
Classification: Likely benign for COL10A1-related condition. Last evaluated: 2026-06-01. Review status: criteria provided, single submitter. Criteria: ACMG Guidelines, 2015. Collection method: clinical testing. Allele origin: germline.
Comment: This variant is classified as likely benign based on ACMG/AMP sequence variant interpretation guidelines (Richards et al. 2015 PMID: 25741868, with internal and published modifications).

Women's Health and Genetics/Laboratory Corporation of America, LabCorp
Classification: Likely benign. Last evaluated: 2025-04-30. Review status: criteria provided, single submitter. Criteria: LabCorp Variant Classification Summary - May 2015. Collection method: clinical testing. Allele origin: germline.

Labcorp Genetics (formerly Invitae), Labcorp
Classification: Likely benign. Last evaluated: 2024-10-07. Review status: criteria provided, single submitter. Criteria: Invitae Variant Classification Sherloc (09022015). Collection method: clinical testing. Allele origin: germline.

Blueprint Genetics
Classification: Likely benign. Last evaluated: 2024-06-17. Review status: criteria provided, single submitter. Criteria: ACMG Guidelines, 2015. Collection method: clinical testing. Allele origin: germline.

NM_000493.4(COL10A1):c.155-6T>C

Genes: COL10A1 (collagen type X alpha 1 chain; minus strand), NT5DC1 (5'-nucleotidase domain containing 1; plus strand). Cytogenetic location: 6q22.1.
Variant type: single nucleotide variant.
Coding change: c.155-6T>C on transcript NM_000493.4 (MANE Select); 6 bases into the intron before coding-DNA position 155, T replaced by C.
Molecular consequence: intron variant.
Genome position (GRCh38, 1-based): chr6:116,121,967, A>G on the plus strand (T>C on the coding strand, the complement: COL10A1 is on the minus strand). VCF-style: chr6-116121967-A-G. GRCh37 (hg19) VCF-style: chr6-116443130-A-G.
Other names: c.529+4022A>G (NM_152729.3); c.155-6T>C (NM_001424107.1, NM_001424106.1).
Identifiers: ClinVar variation 355111 (VCV000355111.17), dbSNP rs375384269, ClinGen allele CA3968469.